The following is an entry in ClinVar:

ClinVar aggregate classification (germline): Benign/Likely benign. Review status: criteria provided, multiple submitters, no conflicts (2 of 4 stars). 3 submissions from 3 submitters: Benign (1); Likely benign (2). Last evaluated 2024-03-27.

Conditions:
Familial adenomatous polyposis 1 (FAP1). Also called: FAMILIAL ADENOMATOUS POLYPOSIS 1, ATTENUATED; POLYPOSIS, ADENOMATOUS INTESTINAL. Identifiers: MedGen C2713442, MONDO:0021056, OMIM 175100. Disease mechanism: loss of function.
Hereditary cancer-predisposing syndrome. Also called: Tumor predisposition; Neoplastic Syndromes, Hereditary; Hereditary neoplastic syndrome; Hereditary Cancer Syndrome. Identifiers: Orphanet 140162, MedGen C0027672, MeSH D009386, MONDO:0015356.

Allele frequency attached by ClinVar (database versions not stated): gnomAD exomes below 0.00001.
gnomAD v4.1: 4 of 1,614,154 alleles (0.00025%); highest among the groups gnomAD compares: Non-Finnish European, 0.00034%; no homozygotes.

Submissions (3):

Myriad Genetics, Inc.
Classification: Benign for Familial adenomatous polyposis 1. Last evaluated: 2024-03-27. Review status: criteria provided, single submitter. Criteria: Myriad Autosomal Dominant, Autosomal Recessive and X-Linked Classification Criteria (2023). Collection method: clinical testing. Allele origin: unknown.
Comment: This variant is considered benign. This variant is a silent/synonymous amino acid change and it is not expected to impact splicing.

Labcorp Genetics (formerly Invitae), Labcorp
Classification: Likely benign for Familial adenomatous polyposis 1. Last evaluated: 2021-12-24. Review status: criteria provided, single submitter. Criteria: Invitae Variant Classification Sherloc (09022015). Collection method: clinical testing. Allele origin: germline.

Ambry Genetics
Classification: Likely benign for Hereditary cancer-predisposing syndrome. Last evaluated: 2020-11-15. Review status: criteria provided, single submitter. Criteria: Ambry Variant Classification Scheme 2023. Collection method: clinical testing. Allele origin: germline.

NM_000038.6(APC):c.4690T>C (p.Leu1564=)

Gene: APC (APC regulator of Wnt signaling pathway; plus strand). Cytogenetic location: 5q22.2.
Variant type: single nucleotide variant.
Coding change: c.4690T>C on transcript NM_000038.6 (MANE Select); coding-DNA position 4690, T replaced by C.
Protein change: p.Leu1564=; no amino-acid change (leucine 1564 retained).
Molecular consequence: synonymous variant.
Genome position (GRCh38, 1-based): chr5:112,840,284, T>C. VCF-style: chr5-112840284-T-C. GRCh37 (hg19) VCF-style: chr5-112175981-T-C.
Other names: c.4690T>C, p.Leu1564= (NM_001127510.3, NM_001354895.2); c.4636T>C, p.Leu1546= (NM_001127511.3); c.4744T>C, p.Leu1582= (NM_001354896.2); c.4720T>C, p.Leu1574= (NM_001354897.2); c.4615T>C, p.Leu1539= (NM_001354898.2); c.4606T>C, p.Leu1536= (NM_001354899.2); c.4567T>C, p.Leu1523= (NM_001354900.2); c.4513T>C, p.Leu1505= (NM_001354901.2); and 5 more.
Identifiers: ClinVar variation 416747 (VCV000416747.53), dbSNP rs1009904304, ClinGen allele CA16611830.
Genomic context (GRCh38, chr5:112,840,284, plus strand): 5'-GAATCAAATGAAAACCAAGAGAAAGAGGCAGAAAAAACTATTGATTCTGAAAAGGACCTA[T>C]TAGATGATTCAGATGATGATGATATTGAAATACTAGAAGAATGTATTATTTCTGCCATGC-3'
Protein context (NP_000029.2, residues 1554-1574): EKTIDSEKDL[Leu1564=]DDSDDDDIEI